The following is an entry in ClinVar:

NM_000049.4(ASPA):c.465T>G (p.Tyr155Ter)

Genes: ASPA (aspartoacylase; plus strand), SPATA22 (spermatogenesis associated 22; minus strand). Cytogenetic location: 17p13.2.
Variant type: single nucleotide variant.
Coding change: c.465T>G on transcript NM_000049.4 (MANE Select); coding-DNA position 465, T replaced by G.
Protein change: p.Tyr155Ter; replaces tyrosine 155 with a stop codon.
Molecular consequence: nonsense. On other transcripts: intron variant (2).
Genome position (GRCh38, 1-based): chr17:3,483,531, T>G. VCF-style: chr17-3483531-T-G. GRCh37 (hg19) VCF-style: chr17-3386825-T-G.
Other names: c.465T>G, p.Tyr155Ter (NM_001128085.1); c.-73-14133A>C (NM_001321336.2, NM_001321337.2); c.465T>G (NM_000049.2); short protein forms Y155*.
Identifiers: ClinVar variation 3240536 (VCV003240536.4), dbSNP rs2543624449.

ClinVar aggregate classification (germline): Pathogenic/Likely pathogenic. Review status: criteria provided, multiple submitters, no conflicts (2 of 4 stars). 4 submissions from 4 submitters: Pathogenic (1); Likely pathogenic (3). Last evaluated 2025-01-30.

Conditions:
Spongy degeneration of central nervous system. Also called: ACY2 DEFICIENCY; AMINOACYLASE 2 DEFICIENCY; ASP DEFICIENCY; ASPA DEFICIENCY; ASPARTOACYLASE DEFICIENCY; CANAVAN-VAN BOGAERT-BERTRAND DISEASE. Identifiers: Orphanet 141, MedGen C0206307, MONDO:0010079, OMIM 271900.

Allele frequency attached by ClinVar (database versions not stated): gnomAD exomes below 0.00001.
gnomAD v4.1: 1 of 1,614,228 alleles (0.000062%); highest among the groups gnomAD compares: Non-Finnish European, 0.000085%; no homozygotes.

Submissions (4):

Labcorp Genetics (formerly Invitae), Labcorp
Classification: Pathogenic for Spongy degeneration of central nervous system. Last evaluated: 2025-01-30. Review status: criteria provided, single submitter. Criteria: Invitae Variant Classification Sherloc (09022015). Collection method: clinical testing. Allele origin: germline.
Comment: This sequence change creates a premature translational stop signal (p.Tyr155*) in the ASPA gene. It is expected to result in an absent or disrupted protein product. Loss-of-function variants in ASPA are known to be pathogenic (PMID: 12638939). This variant is not present in population databases (gnomAD no frequency). This variant has not been reported in the literature in individuals affected with ASPA-related conditions. ClinVar contains an entry for this variant (Variation ID: 3240536). For these reasons, this variant has been classified as Pathogenic.

Natera, Inc.
Classification: Likely pathogenic for Canavan Disease. Last evaluated: 2024-12-21. Review status: criteria provided, single submitter. Criteria: Natera Variant Classification Schema (03/2026). Collection method: clinical testing. Allele origin: germline.
Comment: The c.465T>G variant in ASPA is a nonsense variant predicted to introduce a stop codon at amino acid 155. This variant is expected to result in nonsense mediated decay, truncation, or a dysfunctional protein product. This variant is rare in the general population with a frequency below the threshold expected for the associated phenotype(s). Given the available evidence, this variant is classified as Likely Pathogenic.

Fulgent Genetics
Classification: Likely pathogenic for Spongy degeneration of central nervous system. Last evaluated: 2024-03-05. Review status: criteria provided, single submitter. Criteria: ACMG Guidelines, 2015. Collection method: clinical testing. Allele origin: germline.

Baylor Genetics
Classification: Likely pathogenic for Spongy degeneration of central nervous system. Last evaluated: 2023-12-20. Review status: criteria provided, single submitter. Criteria: ACMG Guidelines, 2015. Collection method: clinical testing. Allele origin: unknown.

Literature cited by the submitters: PubMed 12638939 (cited by Labcorp Genetics (formerly Invitae), Labcorp).